The following is an entry in ClinVar:

ClinVar aggregate classification (germline): Pathogenic (1 of 4 stars; one submission).

Conditions:
Citrin deficiency. Identifiers: Orphanet 247582, MedGen C1997910, MONDO:0016602.

Submission:

Labcorp Genetics (formerly Invitae), Labcorp
Classification: Pathogenic for Citrin deficiency. Last evaluated: 2020-04-15. Review status: criteria provided, single submitter. Criteria: Invitae Variant Classification Sherloc (09022015). Collection method: clinical testing. Allele origin: germline.
Comment: For these reasons, this variant has been classified as Pathogenic. Loss-of-function variants in SLC25A13 are known to be pathogenic (PMID: 10369257, 14680984, 27405544). Similar gain of exon 15 has been observed in individual(s) with citrin deficiency (PMID: 12409267). It has also been observed to segregate with disease in related individuals. This variant results in a copy number gain of the genomic region encompassing exon(s) 15 of the SLC25A13 gene. While the exact position of this variant cannot be determined from the data, sub-genic copy number gains are generally in tandem (PMID: 25640679). This variant is predicted to be out-of-frame, and may result in an absent or disrupted protein product.

Literature cited by the submitters: PubMed 10369257; PubMed 14680984; PubMed 27405544; PubMed 12409267; PubMed 25640679.

NC_000007.13:g.(?_95761045)_(95761203_?)dup

Gene: SLC25A13 (solute carrier family 25 member 13; minus strand). Cytogenetic location: 7q21.3.
Variant type: Duplication.
Identifiers: ClinVar variation 1071973 (VCV001071973.7).